The following is an entry in ClinVar:

ClinVar aggregate classification (germline): Uncertain significance. Review status: criteria provided, multiple submitters, no conflicts (2 of 4 stars). 2 submissions from 2 submitters: Uncertain significance (2). Last evaluated 2025-04-10.

Conditions:
Inborn genetic diseases. Identifiers: MedGen C0950123, MeSH D030342.

Allele frequency attached by ClinVar (database versions not stated): gnomAD exomes 0.00002; TOPMed 0.00002; ExAC 0.00003.

Submissions (2):

Ambry Genetics
Classification: Uncertain significance for Inborn genetic diseases. Last evaluated: 2025-04-10. Review status: criteria provided, single submitter. Criteria: Ambry Variant Classification Scheme 2023. Collection method: clinical testing. Allele origin: germline.

Labcorp Genetics (formerly Invitae), Labcorp
Classification: Uncertain significance. Last evaluated: 2024-01-18. Review status: criteria provided, single submitter. Criteria: Invitae Variant Classification Sherloc (09022015). Collection method: clinical testing. Allele origin: germline.
Comment: This sequence change replaces methionine, which is neutral and non-polar, with valine, which is neutral and non-polar, at codon 1019 of the DIP2C protein (p.Met1019Val). This variant is present in population databases (rs747969999, gnomAD 0.03%). This variant has not been reported in the literature in individuals affected with DIP2C-related conditions. An algorithm developed to predict the effect of missense changes on protein structure and function (PolyPhen-2) suggests that this variant is likely to be tolerated. In summary, the available evidence is currently insufficient to determine the role of this variant in disease. Therefore, it has been classified as a Variant of Uncertain Significance.

NM_014974.3(DIP2C):c.3055A>G (p.Met1019Val)

Gene: DIP2C (DIP2 acetate--CoA ligase C (putative); minus strand). Cytogenetic location: 10p15.3.
Variant type: single nucleotide variant.
Coding change: c.3055A>G on transcript NM_014974.3 (MANE Select); coding-DNA position 3055, A replaced by G.
Protein change: p.Met1019Val; replaces methionine 1019 with valine.
Molecular consequence: missense variant.
Genome position (GRCh38, 1-based): chr10:349,385, T>C on the plus strand (A>G on the coding strand, the complement: DIP2C is on the minus strand). VCF-style: chr10-349385-T-C. GRCh37 (hg19) VCF-style: chr10-395325-T-C.
Other names: c.3055A>G (NM_014974.2); short protein forms M1019V.
Identifiers: ClinVar variation 3011763 (VCV003011763.4), dbSNP rs747969999, ClinGen allele CA5380154.
Genomic context (GRCh38, chr10:349,385, plus strand): 5'-CTGTACCTGGGGGGTAGACCAAGGCCACGTGGTCGCCGTCCTGAAGGTGGCCCCTCTCCA[T>C]CAGCATCACGGCGATCTTCTCAGCTCTCTTGTGCAGCTGCACGCAGGTCAGCGAGTTCGC-3'
Protein context (NP_055789.1, residues 1009-1029): KRAEKIAVML[Met1019Val]ERGHLQDGDH